The following is an entry in ClinVar:

NM_018451.5(CPAP):c.1969C>T (p.Gln657Ter)

Gene: CPAP (centrosome assembly and centriole elongation protein; minus strand). Cytogenetic location: 13q12.13.
Variant type: single nucleotide variant.
Coding change: c.1969C>T on transcript NM_018451.5 (MANE Select); coding-DNA position 1969, C replaced by T.
Protein change: p.Gln657Ter; replaces glutamine 657 with a stop codon.
Molecular consequence: nonsense. On other transcripts: non-coding transcript variant (2).
Genome position (GRCh38, 1-based): chr13:24,906,069, G>A on the plus strand (C>T on the coding strand, the complement: CPAP is on the minus strand). VCF-style: chr13-24906069-G-A. GRCh37 (hg19) VCF-style: chr13-25480207-G-A.
Other names: short protein forms Q657*.
Identifiers: ClinVar variation 210661 (VCV000210661.10), dbSNP rs797045450, ClinGen allele CA249682.

ClinVar aggregate classification (germline): Pathogenic/Likely pathogenic. Review status: criteria provided, multiple submitters, no conflicts (2 of 4 stars). 3 submissions from 3 submitters: Pathogenic (2); Likely pathogenic (1). Last evaluated 2022-03-02.

Conditions:
Seckel syndrome 4 (SCKL4). Identifiers: Orphanet 808, MedGen C3888212, MONDO:0013358, OMIM 613676.
Microcephaly 6, primary, autosomal recessive. Identifiers: Orphanet 2512, MedGen C1842109, MONDO:0012029, OMIM 608393.

Allele frequency attached by ClinVar (database versions not stated): TOPMed below 0.00001; gnomAD exomes 0.00001.
gnomAD v4.1: 8 of 1,613,616 alleles (0.0005%); highest among the groups gnomAD compares: Non-Finnish European, 0.00059%; no homozygotes.

Submissions (3):

Fulgent Genetics
Classification: Likely pathogenic for Microcephaly 6, primary, autosomal recessive; Seckel syndrome 4. Last evaluated: 2022-03-02. Review status: criteria provided, single submitter. Criteria: ACMG Guidelines, 2015. Collection method: clinical testing. Allele origin: unknown.

Centre for Mendelian Genomics, University Medical Centre Ljubljana
Classification: Pathogenic for Seckel syndrome 4. Last evaluated: 2019-02-28. Review status: criteria provided, single submitter. Criteria: ACMG Guidelines, 2015. Collection method: clinical testing. Allele origin: unknown. Affected: yes.
Comment: This variant was classified as: Pathogenic. The following ACMG criteria were applied in classifying this variant: PVS1,PS1.

Genetic Services Laboratory, University of Chicago
Classification: Pathogenic for Seckel syndrome 4. Last evaluated: 2014-12-04. Review status: criteria provided, single submitter. Criteria: ACMG Guidelines, 2015. Collection method: clinical testing. Allele origin: germline. Affected: yes.